The following is an entry in ClinVar:

NM_005963.4(MYH1):c.765C>T (p.Phe255=)

Genes: MYH1 (myosin heavy chain 1; minus strand), MYHAS (myosin heavy chain gene cluster antisense RNA; plus strand). Cytogenetic location: 17p13.1.
Variant type: single nucleotide variant.
Coding change: c.765C>T on transcript NM_005963.4 (MANE Select); coding-DNA position 765, C replaced by T.
Protein change: p.Phe255=; no amino-acid change (phenylalanine 255 retained).
Molecular consequence: synonymous variant.
Genome position (GRCh38, 1-based): chr17:10,513,666, G>A on the plus strand (C>T on the coding strand, the complement: MYH1 is on the minus strand). VCF-style: chr17-10513666-G-A. GRCh37 (hg19) VCF-style: chr17-10416983-G-A.
Identifiers: ClinVar variation 3239102 (VCV003239102.19), dbSNP rs565550881.

ClinVar aggregate classification (germline): Uncertain significance (1 of 4 stars; one submission).

Allele frequency attached by ClinVar (database versions not stated): 1000 Genomes Project 30x 0.00016; 1000 Genomes Project 0.00020.
gnomAD v4.1: 122 of 1,614,088 alleles (0.0076%); highest among the groups gnomAD compares: Admixed American, 0.012%; no homozygotes.

Submission:

CeGaT Center for Human Genetics Tuebingen
Classification: Uncertain significance. Last evaluated: 2024-05-01. Review status: criteria provided, single submitter. Criteria: CeGaT Center For Human Genetics Tuebingen Variant Classification Criteria Version 2. Collection method: clinical testing. Allele origin: germline. Affected: yes. Observed: 1 variant allele.
Comment: MYH1: PM2